The following is an entry in ClinVar:

NM_024757.5(EHMT1):c.2852G>A (p.Arg951His)

Gene: EHMT1 (euchromatic histone lysine methyltransferase 1; plus strand). Cytogenetic location: 9q34.3.
Variant type: single nucleotide variant.
Coding change: c.2852G>A on transcript NM_024757.5 (MANE Select); coding-DNA position 2852, G replaced by A.
Protein change: p.Arg951His; replaces arginine 951 with histidine.
Molecular consequence: missense variant.
Genome position (GRCh38, 1-based): chr9:137,811,600, G>A. VCF-style: chr9-137811600-G-A. GRCh37 (hg19) VCF-style: chr9-140706052-G-A.
Other names: c.2831G>A, p.Arg944His (NM_001354263.2); short protein forms R944H, R951H.
Identifiers: ClinVar variation 2430864 (VCV002430864.1), dbSNP rs1202437743, ClinGen allele CA375792039.

ClinVar aggregate classification (germline): Uncertain significance (1 of 4 stars; one submission).

Allele frequency attached by ClinVar (database versions not stated): TOPMed below 0.00001; gnomAD 0.00001.
gnomAD v4.1: 5 of 1,602,342 alleles (0.00031%); highest among the groups gnomAD compares: African/African-American, 0.0013%; no homozygotes.

Submission:

GeneDx
Classification: Uncertain significance. Last evaluated: 2022-08-19. Review status: criteria provided, single submitter. Criteria: GeneDx Variant Classification Process June 2021. Collection method: clinical testing. Allele origin: germline. Affected: yes.
Comment: Not observed at significant frequency in large population cohorts (gnomAD); In silico analysis supports that this missense variant does not alter protein structure/function; Has not been previously published as pathogenic or benign to our knowledge